The following is an entry in ClinVar:

ClinVar aggregate classification (germline): Uncertain significance (1 of 4 stars; one submission).

Conditions:
Episodic ataxia type 1 (EA1). Also called: MYOKYMIA WITH PERIODIC ATAXIA; PAROXYSMAL ATAXIA WITH NEUROMYOTONIA, HEREDITARY; ATAXIA, EPISODIC, WITH MYOKYMIA; Episodic ataxia/myokymia syndrome. Identifiers: Orphanet 37612, Orphanet 972, MedGen C1719788, MONDO:0008047, OMIM 160120.

Submission:

Labcorp Genetics (formerly Invitae), Labcorp
Classification: Uncertain significance for Episodic ataxia type 1. Last evaluated: 2025-11-02. Review status: criteria provided, single submitter. Criteria: Invitae Variant Classification Sherloc (09022015). Collection method: clinical testing. Allele origin: germline.
Comment: This sequence change replaces valine, which is neutral and non-polar, with aspartic acid, which is acidic and polar, at codon 406 of the KCNA1 protein (p.Val406Asp). This variant is not present in population databases (gnomAD no frequency). This variant has not been reported in the literature in individuals affected with KCNA1-related conditions. Invitae Evidence Modeling of protein sequence and biophysical properties (such as structural, functional, and spatial information, amino acid conservation, physicochemical variation, residue mobility, and thermodynamic stability) indicates that this missense variant is expected to disrupt KCNA1 protein function with a positive predictive value of 95%. In summary, the available evidence is currently insufficient to determine the role of this variant in disease. Therefore, it has been classified as a Variant of Uncertain Significance.

NM_000217.3(KCNA1):c.1217T>A (p.Val406Asp)

Gene: KCNA1 (potassium voltage-gated channel subfamily A member 1; plus strand). Cytogenetic location: 12p13.32.
Variant type: single nucleotide variant.
Coding change: c.1217T>A on transcript NM_000217.3 (MANE Select); coding-DNA position 1217, T replaced by A.
Protein change: p.Val406Asp; replaces valine 406 with aspartic acid.
Molecular consequence: missense variant.
Genome position (GRCh38, 1-based): chr12:4,912,595, T>A. VCF-style: chr12-4912595-T-A. GRCh37 (hg19) VCF-style: chr12-5021761-T-A.
Other names: short protein forms V406D.
Identifiers: ClinVar variation 4709934 (VCV004709934.1).